The following is an entry in ClinVar:

ClinVar aggregate classification (germline): Uncertain significance. Review status: criteria provided, multiple submitters, no conflicts (2 of 4 stars). 4 submissions from 4 submitters: Uncertain significance (4). Last evaluated 2025-07-23.

Conditions:
Hereditary cancer-predisposing syndrome. Also called: Tumor predisposition; Neoplastic Syndromes, Hereditary; Hereditary neoplastic syndrome; Hereditary Cancer Syndrome. Identifiers: Orphanet 140162, MedGen C0027672, MeSH D009386, MONDO:0015356.
Familial cancer of breast. Also called: hereditary breast carcinoma; BREAST CANCER, FAMILIAL; Hereditary breast cancer. Identifiers: Orphanet 227535, MedGen C0346153, MONDO:0016419, OMIM 114480. Disease mechanism: loss of function.
Breast-ovarian cancer, familial, susceptibility to, 5 (BROVCA5). Identifiers: MedGen C5830615, MONDO:0957530, OMIM 620442.

Allele frequency attached by ClinVar (database versions not stated): gnomAD exomes below 0.00001.
gnomAD v4.1: 6 of 1,608,448 alleles (0.00037%); highest among the groups gnomAD compares: Non-Finnish European, 0.00051%; no homozygotes.

Submissions (4):

Labcorp Genetics (formerly Invitae), Labcorp
Classification: Uncertain significance for Familial cancer of breast. Last evaluated: 2025-07-23. Review status: criteria provided, single submitter. Criteria: Invitae Variant Classification Sherloc (09022015). Collection method: clinical testing. Allele origin: germline.
Comment: This sequence change replaces lysine, which is basic and polar, with asparagine, which is neutral and polar, at codon 75 of the PALB2 protein (p.Lys75Asn). This variant is present in population databases (no rsID available, gnomAD 0.0009%). This variant has not been reported in the literature in individuals affected with PALB2-related conditions. ClinVar contains an entry for this variant (Variation ID: 631010). An algorithm developed to predict the effect of missense changes on protein structure and function (PolyPhen-2) suggests that this variant is likely to be tolerated. In summary, the available evidence is currently insufficient to determine the role of this variant in disease. Therefore, it has been classified as a Variant of Uncertain Significance.

Color Diagnostics, LLC DBA Color Health
Classification: Uncertain significance for Hereditary cancer-predisposing syndrome. Last evaluated: 2024-06-25. Review status: criteria provided, single submitter. Criteria: ACMG Guidelines, 2015. Collection method: clinical testing. Allele origin: germline.
Comment: This missense variant replaces lysine with asparagine at codon 75 of the PALB2 protein. Computational prediction suggests that this variant may not impact protein structure and function (internally defined REVEL score threshold <= 0.5, PMID: 27666373). To our knowledge, functional studies have not been reported for this variant. This variant has not been reported in individuals affected with PALB2-related disorders in the literature. This variant has been identified in 1/243206 chromosomes in the general population by the Genome Aggregation Database (gnomAD). The available evidence is insufficient to determine the role of this variant in disease conclusively. Therefore, this variant is classified as a Variant of Uncertain Significance.

Ambry Genetics
Classification: Uncertain significance for Hereditary cancer-predisposing syndrome. Last evaluated: 2023-11-09. Review status: criteria provided, single submitter. Criteria: Ambry Variant Classification Scheme 2023. Collection method: clinical testing. Allele origin: germline.
Comment: The p.K75N variant (also known as c.225A>C), located in coding exon 4 of the PALB2 gene, results from an A to C substitution at nucleotide position 225. The lysine at codon 75 is replaced by asparagine, an amino acid with similar properties. This amino acid position is poorly conserved in available vertebrate species. In addition, this alteration is predicted to be tolerated by in silico analysis. Since supporting evidence is limited at this time, the clinical significance of this alteration remains unclear.

Department of Pathology and Laboratory Medicine, Sinai Health System
Classification: Uncertain significance for Breast-ovarian cancer, familial, susceptibility to, 5. Last evaluated: 2020-11-02. Review status: criteria provided, single submitter. Criteria: ACMG Guidelines, 2015. Collection method: clinical testing. Allele origin: germline. Affected: yes.

NM_024675.4(PALB2):c.225A>C (p.Lys75Asn)

Gene: PALB2 (partner and localizer of BRCA2; minus strand). Cytogenetic location: 16p12.2.
Variant type: single nucleotide variant.
Coding change: c.225A>C on transcript NM_024675.4 (MANE Select); coding-DNA position 225, A replaced by C.
Protein change: p.Lys75Asn; replaces lysine 75 with asparagine.
Molecular consequence: missense variant.
Genome position (GRCh38, 1-based): chr16:23,636,321, T>G on the plus strand (A>C on the coding strand, the complement: PALB2 is on the minus strand). VCF-style: chr16-23636321-T-G. GRCh37 (hg19) VCF-style: chr16-23647642-T-G.
Other names: short protein forms K75N.
Identifiers: ClinVar variation 631010 (VCV000631010.17), dbSNP rs1250453452, ClinGen allele CA395138962.